The following is an entry in ClinVar:

ClinVar aggregate classification (germline): Uncertain significance. Review status: criteria provided, multiple submitters, no conflicts (2 of 4 stars). 3 submissions from 3 submitters: Uncertain significance (3). Last evaluated 2025-05-05.

Conditions:
Malignant hyperthermia, susceptibility to, 1 (MHS1). Also called: RYR1-Related Malignant Hyperthermia Susceptibility; Malignant hyperthermia suceptibility 1; Anesthesia related hyperthermia; Malignant hyperpyrexia; Fulminating hyperpyrexia; Pharmacogenic myopathy. Identifiers: Orphanet 423, MedGen C2930980, MONDO:0007783, OMIM 145600.
Central core myopathy (CMYO1A). Also called: Central core disease; Myopathy, central fibrillar; CONGENITAL MYOPATHY 1A, AUTOSOMAL DOMINANT, WITH SUSCEPTIBILITY TO MALIGNANT HYPERTHERMIA. Identifiers: Orphanet 597, MedGen C5830701, MONDO:0007294, OMIM 117000.
King Denborough syndrome (KDS). Identifiers: MedGen C1840365, MONDO:0020485, OMIM 619542.
Congenital multicore myopathy with external ophthalmoplegia (CMYO1B). Also called: Minicore myopathy with external ophthalmoplegia; MULTIMINICORE DISEASE WITH EXTERNAL OPHTHALMOPLEGIA; Congenital myopathy 1B, autosomal recessive; Minicore myopathy; MULTICORE MYOPATHY. Identifiers: Orphanet 598, Orphanet 98905, MedGen C1850674, MONDO:0009712, OMIM 255320, HP:0003789.
Congenital myopathy with fiber type disproportion. Also called: Congenital fiber-type disproportion myopathy; Congenital fiber-type disproportion. Identifiers: Orphanet 2020, MedGen C0546264, MONDO:0009711. Inheritance: all.
RYR1-related disorder. Also called: RYR1-related disorders; RYR1-related condition. Identifiers: MedGen CN239331.

Allele frequency attached by ClinVar (database versions not stated): gnomAD exomes 0.00001 and 0.00002; TOPMed 0.00001; gnomAD 0.00002 and 0.00003; ExAC 0.00004.
gnomAD v4.1: 9 of 1,569,222 alleles (0.00057%); highest among the groups gnomAD compares: South Asian, 0.0012%; no homozygotes.

Submissions (3):

Labcorp Genetics (formerly Invitae), Labcorp
Classification: Uncertain significance for RYR1-related disorder. Last evaluated: 2025-05-05. Review status: criteria provided, single submitter. Criteria: Invitae Variant Classification Sherloc (09022015). Collection method: clinical testing. Allele origin: germline.
Comment: This sequence change replaces arginine, which is basic and polar, with histidine, which is basic and polar, at codon 1335 of the RYR1 protein (p.Arg1335His). The frequency data for this variant in the population databases is considered unreliable, as metrics indicate poor data quality at this position in the gnomAD database. This variant has not been reported in the literature in individuals affected with RYR1-related conditions. ClinVar contains an entry for this variant (Variation ID: 572423). Invitae Evidence Modeling of protein sequence and biophysical properties (such as structural, functional, and spatial information, amino acid conservation, physicochemical variation, residue mobility, and thermodynamic stability) has been performed for this missense variant. However, the output from this modeling did not meet the statistical confidence thresholds required to predict the impact of this variant on RYR1 protein function. In summary, the available evidence is currently insufficient to determine the role of this variant in disease. Therefore, it has been classified as a Variant of Uncertain Significance.

All of Us Research Program, National Institutes of Health
Classification: Uncertain significance for Malignant hyperthermia, susceptibility to, 1. Last evaluated: 2023-05-15. Review status: criteria provided, single submitter. Criteria: ACMG Guidelines, 2015. Collection method: clinical testing. Allele origin: germline. Inheritance: Autosomal dominant inheritance. Observed: 2 variant alleles, 2 heterozygotes.
Comment: This study involves interpretation of variants in research participants for the purpose of population health screening. Participant phenotype was not available at the time of variant classification. Additional details can be found in publication PMID: 35346344, PMCID: PMC8962531

Fulgent Genetics
Classification: Uncertain significance for Central core myopathy; Malignant hyperthermia, susceptibility to, 1; Congenital myopathy 4A, autosomal dominant; Congenital multicore myopathy with external ophthalmoplegia; King Denborough syndrome. Last evaluated: 2021-09-09. Review status: criteria provided, single submitter. Criteria: ACMG Guidelines, 2015. Collection method: clinical testing. Allele origin: unknown.

NM_000540.3(RYR1):c.4004G>A (p.Arg1335His)

Gene: RYR1 (ryanodine receptor 1; plus strand). Cytogenetic location: 19q13.2.
Variant type: single nucleotide variant.
Coding change: c.4004G>A on transcript NM_000540.3 (MANE Select); coding-DNA position 4004, G replaced by A.
Protein change: p.Arg1335His; replaces arginine 1335 with histidine.
Molecular consequence: missense variant.
Genome position (GRCh38, 1-based): chr19:38,473,615, G>A. VCF-style: chr19-38473615-G-A. GRCh37 (hg19) VCF-style: chr19-38964255-G-A.
Other names: c.4004G>A, p.Arg1335His (NM_001042723.2); short protein forms R1335H.
Identifiers: ClinVar variation 572423 (VCV000572423.10), dbSNP rs750256869, ClinGen allele CA065471.